The following is an entry in ClinVar:

ClinVar aggregate classification (germline): Uncertain significance (1 of 4 stars; one submission).

Conditions:
Muscular dystrophy-dystroglycanopathy (congenital with brain and eye anomalies), type A2. Also called: MUSCULAR DYSTROPHY-DYSTROGLYCANOPATHY (CONGENITAL WITH BRAIN AND EYE ANOMALIES), TYPE A, 2; WALKER-WARBURG SYNDROME OR MUSCLE-EYE-BRAIN DISEASE, POMT2-RELATED. Identifiers: Orphanet 588, Orphanet 899, MedGen C3150411, MONDO:0013154, OMIM 613150.
Autosomal recessive limb-girdle muscular dystrophy type 2N. Also called: MUSCULAR DYSTROPHY-DYSTROGLYCANOPATHY, LIMB-GIRDLE, POMT2-RELATED; Muscular dystrophy-dystroglycanopathy (limb-girdle), type C, 2. Identifiers: Orphanet 206559, MedGen C3150418, MONDO:0013162, OMIM 613158.
Muscular dystrophy-dystroglycanopathy (congenital with impaired intellectual development), type B, 2. Also called: Muscular dystrophy-dystroglycanopathy (congenital with intellectual disability), type B2; MUSCULAR DYSTROPHY, CONGENITAL, POMT2-RELATED. Identifiers: MedGen C3150416, MONDO:0013160, OMIM 613156.

Allele frequency attached by ClinVar (database versions not stated): TOPMed 0.00001.

Submission:

Labcorp Genetics (formerly Invitae), Labcorp
Classification: Uncertain significance for Muscular dystrophy-dystroglycanopathy (congenital with impaired intellectual development), type B, 2; Muscular dystrophy-dystroglycanopathy (congenital with brain and eye anomalies), type A2; Autosomal recessive limb-girdle muscular dystrophy type 2N. Last evaluated: 2023-08-04. Review status: criteria provided, single submitter. Criteria: Invitae Variant Classification Sherloc (09022015). Collection method: clinical testing. Allele origin: germline.
Comment: In summary, the available evidence is currently insufficient to determine the role of this variant in disease. Therefore, it has been classified as a Variant of Uncertain Significance. Advanced modeling of protein sequence and biophysical properties (such as structural, functional, and spatial information, amino acid conservation, physicochemical variation, residue mobility, and thermodynamic stability) has been performed at Invitae for this missense variant, however the output from this modeling did not meet the statistical confidence thresholds required to predict the impact of this variant on POMT2 protein function. ClinVar contains an entry for this variant (Variation ID: 2150149). This variant has not been reported in the literature in individuals affected with POMT2-related conditions. The frequency data for this variant in the population databases is considered unreliable, as metrics indicate poor data quality at this position in the gnomAD database. This sequence change replaces threonine, which is neutral and polar, with asparagine, which is neutral and polar, at codon 683 of the POMT2 protein (p.Thr683Asn).

NM_013382.7(POMT2):c.2048C>A (p.Thr683Asn)

Gene: POMT2 (protein O-mannosyltransferase 2; minus strand). Cytogenetic location: 14q24.3.
Variant type: single nucleotide variant.
Coding change: c.2048C>A on transcript NM_013382.7 (MANE Select); coding-DNA position 2048, C replaced by A.
Protein change: p.Thr683Asn; replaces threonine 683 with asparagine.
Molecular consequence: missense variant.
Genome position (GRCh38, 1-based): chr14:77,278,493, G>T on the plus strand (C>A on the coding strand, the complement: POMT2 is on the minus strand). VCF-style: chr14-77278493-G-T. GRCh37 (hg19) VCF-style: chr14-77744836-G-T.
Other names: short protein forms T683N.
Identifiers: ClinVar variation 2150149 (VCV002150149.3), dbSNP rs1186812417, ClinGen allele CA390513645.
Genomic context (GRCh38, chr14:77,278,493, plus strand): 5'-ACATGTATGCCCCTCGCCAGGGGCCATGAGGCCAAGCCCCAGGCACAGAGCCGCAGGAGG[G>T]TGTCCCACAGAATGCCTAGAGGAGAGGAGAGAAACCTGGAGTCAGCCAGGCAGGGGGTGA-3'
Protein context (NP_037514.2, residues 673-693): SSMLTGILWD[Thr683Asn]LLRLCAWGLA